The following is an entry in ClinVar:

ClinVar aggregate classification (germline): Uncertain significance. Review status: criteria provided, multiple submitters, no conflicts (2 of 4 stars). 2 submissions from 2 submitters: Uncertain significance (2). Last evaluated 2021-11-17.

Conditions:
Hereditary spastic paraplegia 45. Also called: Spastic paraplegia 45, autosomal recessive; SPASTIC PARAPLEGIA 45. Identifiers: Orphanet 320396, MedGen C3888209, MONDO:0013165, OMIM 613162.

Allele frequency attached by ClinVar (database versions not stated): gnomAD exomes below 0.00001.
gnomAD v4.1: 2 of 1,602,758 alleles (0.00012%); highest among the groups gnomAD compares: Non-Finnish European, 0.00017%; no homozygotes.

Submissions (2):

Labcorp Genetics (formerly Invitae), Labcorp
Classification: Uncertain significance for Hereditary spastic paraplegia 45. Last evaluated: 2021-11-17. Review status: criteria provided, single submitter. Criteria: Invitae Variant Classification Sherloc (09022015). Collection method: clinical testing. Allele origin: germline.
Comment: This sequence change replaces aspartic acid, which is acidic and polar, with histidine, which is basic and polar, at codon 229 of the NT5C2 protein (p.Asp229His). This variant is not present in population databases (gnomAD no frequency). In summary, the available evidence is currently insufficient to determine the role of this variant in disease. Therefore, it has been classified as a Variant of Uncertain Significance. Algorithms developed to predict the effect of missense changes on protein structure and function (SIFT, PolyPhen-2, Align-GVGD) all suggest that this variant is likely to be disruptive. ClinVar contains an entry for this variant (Variation ID: 806562). This variant has not been reported in the literature in individuals affected with NT5C2-related conditions.

CeGaT Center for Human Genetics Tuebingen
Classification: Uncertain significance. Last evaluated: 2019-05-01. Review status: criteria provided, single submitter. Criteria: CeGaT Center For Human Genetics Tuebingen Variant Classification Criteria Version 2. Collection method: clinical testing. Allele origin: germline. Affected: yes. Observed: 1 variant allele.

NM_001351169.2(NT5C2):c.685G>C (p.Asp229His)

Gene: NT5C2 (5'-nucleotidase, cytosolic II; minus strand). Cytogenetic location: 10q24.32.
Variant type: single nucleotide variant.
Coding change: c.685G>C on transcript NM_001351169.2 (MANE Select); coding-DNA position 685, G replaced by C.
Protein change: p.Asp229His; replaces aspartic acid 229 with histidine.
Molecular consequence: missense variant. On other transcripts: 5 prime UTR variant (3).
Genome position (GRCh38, 1-based): chr10:103,098,933, C>G on the plus strand (G>C on the coding strand, the complement: NT5C2 is on the minus strand). VCF-style: chr10-103098933-C-G. GRCh37 (hg19) VCF-style: chr10-104858690-C-G.
Other names: c.112G>C, p.Asp38His (NM_001351177.2, NM_001351178.2, NM_001351179.2 and 16 more transcripts); c.-71G>C (NM_001351194.2, NM_001351195.2, NM_001351196.2); c.685G>C, p.Asp229His (NM_012229.5, NM_001134373.3); c.709G>C, p.Asp237His (NM_001351170.2, NM_001351171.2, NM_001351172.2 and 1 more transcripts); c.598G>C, p.Asp200His (NM_001351174.1); c.592G>C, p.Asp198His (NM_001351175.2); short protein forms D38H, D198H, D200H, D229H, D237H.
Identifiers: ClinVar variation 806562 (VCV000806562.47), dbSNP rs1590754368, ClinGen allele CA377975555.